The following is an entry in ClinVar:

ClinVar aggregate classification (germline): Uncertain significance. Review status: criteria provided, multiple submitters, no conflicts (2 of 4 stars). 2 submissions from 2 submitters: Uncertain significance (2). Last evaluated 2021-09-01.

Conditions:
Microcephaly-intellectual disability-sensorineural hearing loss-epilepsy-abnormal muscle tone syndrome (NEDHSB). Also called: NEURODEVELOPMENTAL DISORDER WITH HEARING LOSS, SEIZURES, AND BRAIN ABNORMALITIES. Identifiers: Orphanet 457351, MedGen C4225276, MONDO:0014698, OMIM 616577.

Allele frequency attached by ClinVar (database versions not stated): gnomAD exomes 0.00001; TOPMed 0.00001; ExAC 0.00002.
gnomAD v4.1: 5 of 1,614,262 alleles (0.00031%); highest among the groups gnomAD compares: South Asian, 0.0033%; no homozygotes.

Submissions (2):

Labcorp Genetics (formerly Invitae), Labcorp
Classification: Uncertain significance for Microcephaly-intellectual disability-sensorineural hearing loss-epilepsy-abnormal muscle tone syndrome. Last evaluated: 2021-09-01. Review status: criteria provided, single submitter. Criteria: Invitae Variant Classification Sherloc (09022015). Collection method: clinical testing. Allele origin: germline.
Comment: This sequence change replaces tyrosine with cysteine at codon 253 of the SPATA5 protein (p.Tyr253Cys). The tyrosine residue is weakly conserved and there is a large physicochemical difference between tyrosine and cysteine. This variant is present in population databases (rs755128357, ExAC 0.01%). This variant has not been reported in the literature in individuals affected with SPATA5-related conditions. Advanced modeling of protein sequence and biophysical properties (such as structural, functional, and spatial information, amino acid conservation, physicochemical variation, residue mobility, and thermodynamic stability) performed at Invitae indicates that this missense variant is not expected to disrupt SPATA5 protein function. In summary, the available evidence is currently insufficient to determine the role of this variant in disease. Therefore, it has been classified as a Variant of Uncertain Significance.

Blueprint Genetics
Classification: Uncertain significance. Last evaluated: 2019-01-10. Review status: criteria provided, single submitter. Criteria: ACMG Guidelines, 2015. Collection method: clinical testing. Allele origin: germline.

NM_145207.3(AFG2A):c.758A>G (p.Tyr253Cys)

Gene: AFG2A (AAA ATPase AFG2A; plus strand). Cytogenetic location: 4q28.1.
Variant type: single nucleotide variant.
Coding change: c.758A>G on transcript NM_145207.3 (MANE Select); coding-DNA position 758, A replaced by G.
Protein change: p.Tyr253Cys; replaces tyrosine 253 with cysteine.
Molecular consequence: missense variant.
Genome position (GRCh38, 1-based): chr4:122,934,349, A>G. VCF-style: chr4-122934349-A-G. GRCh37 (hg19) VCF-style: chr4-123855504-A-G.
Other names: c.755A>G, p.Tyr252Cys (NM_001317799.2, NM_001345856.2); short protein forms Y252C, Y253C.
Identifiers: ClinVar variation 1474507 (VCV001474507.6), dbSNP rs755128357, ClinGen allele CA3070313.